The following is an entry in ClinVar:

ClinVar aggregate classification (germline): Benign. Review status: criteria provided, single submitter (1 of 4 stars). 2 submissions from 2 submitters: Benign (1). 1 of the submissions does not count toward it. Last evaluated 2026-02-03.

Conditions:
MBTPS1-related disorder. Also called: MBTPS1-related condition.

Allele frequency attached by ClinVar (database versions not stated): gnomAD exomes 0.00074 and 0.00212; ExAC 0.00258; ESP Exome Variant Server 0.00862; gnomAD 0.00867 and 0.00932; 1000 Genomes Project 0.00919; TOPMed 0.00977; 1000 Genomes Project 30x 0.00999.
gnomAD v4.1: 2,452 of 1,614,090 alleles (0.15%); highest among the groups gnomAD compares: African/African-American, 2.9%; 39 homozygotes.

Submissions (2):

Labcorp Genetics (formerly Invitae), Labcorp
Classification: Benign. Last evaluated: 2026-02-03. Review status: criteria provided, single submitter. Criteria: Invitae Variant Classification Sherloc (09022015). Collection method: clinical testing. Allele origin: germline.

PreventionGenetics, part of Exact Sciences
Classification: Benign for MBTPS1-related condition. Last evaluated: 2019-06-17. Review status: no assertion criteria provided. Collection method: clinical testing. Allele origin: germline. Not counted in ClinVar's aggregate classification.
Comment: This variant is classified as benign based on ACMG/AMP sequence variant interpretation guidelines (Richards et al. 2015 PMID: 25741868, with internal and published modifications).

NM_003791.4(MBTPS1):c.2040C>T (p.Ala680=)

Gene: MBTPS1 (membrane bound transcription factor peptidase, site 1; minus strand). Cytogenetic location: 16q23.3.
Variant type: single nucleotide variant.
Coding change: c.2040C>T on transcript NM_003791.4 (MANE Select); coding-DNA position 2040, C replaced by T.
Protein change: p.Ala680=; no amino-acid change (alanine 680 retained).
Molecular consequence: synonymous variant.
Genome position (GRCh38, 1-based): chr16:84,068,370, G>A on the plus strand (C>T on the coding strand, the complement: MBTPS1 is on the minus strand). VCF-style: chr16-84068370-G-A. GRCh37 (hg19) VCF-style: chr16-84101975-G-A.
Other names: c.2040C>T (NM_003791.3).
Identifiers: ClinVar variation 1532516 (VCV001532516.10), dbSNP rs62640894, ClinGen allele CA8201084.